The following is an entry in ClinVar:

NM_176787.5(PIGN):c.222-11A>G

Gene: PIGN (phosphatidylinositol glycan anchor biosynthesis class N; minus strand). Cytogenetic location: 18q21.33.
Variant type: single nucleotide variant.
Coding change: c.222-11A>G on transcript NM_176787.5 (MANE Select); 11 bases into the intron before coding-DNA position 222, A replaced by G.
Molecular consequence: intron variant.
Genome position (GRCh38, 1-based): chr18:62,157,819, T>C on the plus strand (A>G on the coding strand, the complement: PIGN is on the minus strand). VCF-style: chr18-62157819-T-C. GRCh37 (hg19) VCF-style: chr18-59825052-T-C.
Other names: c.222-11A>G (NM_012327.6).
Identifiers: ClinVar variation 3888801 (VCV003888801.2).

ClinVar aggregate classification (germline): Likely pathogenic (1 of 4 stars; one submission).

Conditions:
Inborn genetic diseases. Identifiers: MedGen C0950123, MeSH D030342.

gnomAD v4.1: 5 of 1,603,436 alleles (0.00031%); highest among the groups gnomAD compares: Non-Finnish European, 0.00034%; no homozygotes.

Submission:

Ambry Genetics
Classification: Likely pathogenic for Inborn genetic diseases. Last evaluated: 2025-04-23. Review status: criteria provided, single submitter. Criteria: Ambry Variant Classification Scheme 2023. Collection method: clinical testing. Allele origin: germline.
Comment: The c.222-11A>G intronic alteration results from a A to G substitution 11 nucleotides before coding exon 2 of the PIGN gene. This variant was not reported in population-based cohorts in the Genome Aggregation Database (gnomAD). This nucleotide position is poorly conserved in available vertebrate species. RNA studies have demonstrated that this alteration results in abnormal splicing in the set of samples tested (Ambry internal data). In silico splice site analysis predicts that this alteration may weaken the native splice acceptor site and will result in the creation or strengthening of a novel splice acceptor site. Based on the available evidence, this alteration is classified as likely pathogenic.